The following is an entry in ClinVar:

ClinVar aggregate classification (germline): Uncertain significance (1 of 4 stars; one submission).

Conditions:
Charcot-Marie-Tooth disease recessive intermediate A (CMTRIA). Also called: CHARCOT-MARIE-TOOTH NEUROPATHY, RECESSIVE INTERMEDIATE A. Identifiers: Orphanet 217055, MedGen C1842197, MONDO:0012014, OMIM 608340.

Submission:

Neuberg Centre For Genomic Medicine, NCGM
Classification: Uncertain significance for Charcot-Marie-Tooth disease recessive intermediate A. Review status: criteria provided, single submitter. Criteria: ACMG Guidelines, 2015. Collection method: clinical testing. Allele origin: germline. Inheritance: Autosomal recessive inheritance. Affected: yes.
Comment: The missense variant p.L276W in GDAP1 (NM_018972.4) has not been reported previously as a pathogenic variant nor as a benign variant, to our knowledge. The p.L276W variant is novel (not in any individuals) in gnomAD Exomes and is novel (not in any individuals) in 1000 Genomes. The p.L276W missense variant is predicted to be damaging by both SIFT and PolyPhen2. The leucine residue at codon 276 of GDAP1 is conserved in all mammalian species. The nucleotide c.827 in GDAP1 is predicted conserved by GERP++ and PhyloP across 100 vertebrates. For these reasons, this variant has been classified as Uncertain Significance.

NM_018972.4(GDAP1):c.827T>G (p.Leu276Trp)

Gene: GDAP1 (ganglioside induced differentiation associated protein 1; plus strand). Cytogenetic location: 8q21.11.
Variant type: single nucleotide variant.
Coding change: c.827T>G on transcript NM_018972.4 (MANE Select); coding-DNA position 827, T replaced by G.
Protein change: p.Leu276Trp; replaces leucine 276 with tryptophan.
Molecular consequence: missense variant. On other transcripts: intron variant (1).
Genome position (GRCh38, 1-based): chr8:74,364,117, T>G. VCF-style: chr8-74364117-T-G. GRCh37 (hg19) VCF-style: chr8-75276352-T-G.
Other names: c.623T>G, p.Leu208Trp (NM_001040875.4); c.500T>G, p.Leu167Trp (NM_001362929.2, NM_001362932.2); c.653T>G, p.Leu218Trp (NM_001362930.2); c.694+1064T>G (NM_001362931.2); short protein forms L167W, L208W, L218W, L276W.
Identifiers: ClinVar variation 2627522 (VCV002627522.1), dbSNP rs2536750381, ClinGen allele CA371550336.